The following is an entry in ClinVar:

ClinVar aggregate classification (germline): Uncertain significance. Review status: criteria provided, multiple submitters, no conflicts (2 of 4 stars). 2 submissions from 2 submitters: Uncertain significance (2). Last evaluated 2026-07-06.

Conditions:
Inborn genetic diseases. Identifiers: MedGen C0950123, MeSH D030342.

Submissions (2):

Ambry Genetics
Classification: Uncertain significance for Inborn genetic diseases. Last evaluated: 2026-07-06. Review status: criteria provided, single submitter. Criteria: Ambry Variant Classification Scheme 2023. Collection method: clinical testing. Allele origin: germline.
Comment: The p.D223H variant (also known as c.667G>C), located in coding exon 2 of the WT1 gene, results from a G to C substitution at nucleotide position 667. The aspartic acid at codon 223 is replaced by histidine, an amino acid with similar properties. This amino acid position is conserved. In addition, this alteration is predicted to be deleterious by in silico analysis. Based on the available evidence, the clinical significance of this variant remains unclear.

GeneDx
Classification: Uncertain significance. Last evaluated: 2023-02-28. Review status: criteria provided, single submitter. Criteria: GeneDx Variant Classification Process June 2021. Collection method: clinical testing. Allele origin: germline. Affected: yes.
Comment: Not observed at significant frequency in large population cohorts (gnomAD); In silico analysis supports that this missense variant has a deleterious effect on protein structure/function; Has not been previously published as pathogenic or benign to our knowledge; This variant is associated with the following publications: (PMID: 8486616)

NM_024426.6(WT1):c.682G>C (p.Asp228His)

Gene: WT1 (WT1 transcription factor; minus strand). Cytogenetic location: 11p13.
Variant type: single nucleotide variant.
Coding change: c.682G>C on transcript NM_024426.6 (MANE Select); coding-DNA position 682, G replaced by C.
Protein change: p.Asp228His; replaces aspartic acid 228 with histidine.
Molecular consequence: missense variant. On other transcripts: 5 prime UTR variant (1), non-coding transcript variant (2), intron variant (2).
Genome position (GRCh38, 1-based): chr11:32,428,599, C>G on the plus strand (G>C on the coding strand, the complement: WT1 is on the minus strand). VCF-style: chr11-32428599-C-G. GRCh37 (hg19) VCF-style: chr11-32450145-C-G.
Other names: c.682G>C, p.Asp228His (NM_000378.6, NM_001407044.1, NM_001407045.1 and 4 more transcripts); c.31G>C, p.Asp11His (NM_001198551.2, NM_001198552.2); c.-81G>C (NM_001407051.1); c.667G>C, p.Asp223His (NM_024425.2); c.662-541G>C (NM_001407050.1, NM_001407047.1); short protein forms D11H, D223H, D228H.
Identifiers: ClinVar variation 2578250 (VCV002578250.2), dbSNP rs1193052708, ClinGen allele CA379963560.